The following is an entry in ClinVar:

NM_021005.4(NR2F2):c.217C>T (p.Gln73Ter)

Gene: NR2F2 (nuclear receptor subfamily 2 group F member 2; plus strand). Cytogenetic location: 15q26.2.
Variant type: single nucleotide variant.
Coding change: c.217C>T on transcript NM_021005.4 (MANE Select); coding-DNA position 217, C replaced by T.
Protein change: p.Gln73Ter; replaces glutamine 73 with a stop codon.
Molecular consequence: nonsense. On other transcripts: intron variant (1).
Genome position (GRCh38, 1-based): chr15:96,332,322, C>T. VCF-style: chr15-96332322-C-T. GRCh37 (hg19) VCF-style: chr15-96875551-C-T.
Other names: c.44-1754C>T (NM_001145155.2); short protein forms Q73*.
Identifiers: ClinVar variation 848589 (VCV000848589.8), dbSNP rs1899172049, ClinGen allele CA393929849.
Genomic context (GRCh38, chr15:96,332,322, plus strand): 5'-GCCCAGACGGCGGCCGGTGGCCAGGGCGGCCCTGGCGGCCCGGGTAGCGACAAGCAGCAG[C>T]AGCAGCAACACATCGAGTGCGTGGTGTGCGGAGACAAGTCGAGCGGCAAGCACTACGGCC-3'

ClinVar aggregate classification (germline): Pathogenic (1 of 4 stars; one submission).

Conditions:
Congenital heart defects, multiple types, 4 (CHTD4). Identifiers: MedGen C4014310, MONDO:0014344, OMIM 615779.

Submission:

Labcorp Genetics (formerly Invitae), Labcorp
Classification: Pathogenic for Congenital heart defects, multiple types, 4. Last evaluated: 2019-12-25. Review status: criteria provided, single submitter. Criteria: Invitae Variant Classification Sherloc (09022015). Collection method: clinical testing. Allele origin: germline.
Comment: This sequence change creates a premature translational stop signal (p.Gln73*) in the NR2F2 gene. It is expected to result in an absent or disrupted protein product. This variant is not present in population databases (ExAC no frequency). This variant has not been reported in the literature in individuals with NR2F2-related conditions. Loss-of-function variants in NR2F2 are known to be pathogenic (PMID: 10215630, 24702954). For these reasons, this variant has been classified as Pathogenic.

Literature cited by the submitters: PubMed 10215630; PubMed 24702954.